The following is an entry in ClinVar:

ClinVar aggregate classification (germline): Conflicting classifications of pathogenicity. Review status: criteria provided, conflicting classifications (1 of 4 stars). 2 submissions from 2 submitters: Likely pathogenic (1); Uncertain significance (1). Last evaluated 2026-03-25.

Conditions:
Hereditary cancer-predisposing syndrome. Also called: Tumor predisposition; Hereditary neoplastic syndrome; Neoplastic Syndromes, Hereditary; Hereditary Cancer Syndrome. Identifiers: Orphanet 140162, MedGen C0027672, MeSH D009386, MONDO:0015356.

Submissions (2):

Ambry Genetics
Classification: Uncertain significance for Hereditary cancer-predisposing syndrome. Last evaluated: 2026-03-25. Review status: criteria provided, single submitter. Criteria: Ambry Variant Classification Scheme 2023. Collection method: clinical testing. Allele origin: germline.
Comment: The p.D1535H variant (also known as c.4603G>C), located in coding exon 35 of the TSC2 gene, results from a G to C substitution at nucleotide position 4603. The aspartic acid at codon 1535 is replaced by histidine, an amino acid with similar properties. This amino acid position is conserved. In addition, this alteration is predicted to be deleterious by in silico analysis. Since supporting evidence is limited at this time, the clinical significance of this alteration remains unclear.

CeGaT Center for Human Genetics Tuebingen
Classification: Likely pathogenic. Last evaluated: 2020-11-01. Review status: criteria provided, single submitter. Criteria: CeGaT Center For Human Genetics Tuebingen Variant Classification Criteria Version 2. Collection method: clinical testing. Allele origin: germline. Affected: yes. Observed: 1 variant allele.

NM_000548.5(TSC2):c.4603G>C (p.Asp1535His)

Gene: TSC2 (TSC complex subunit 2; plus strand). Cytogenetic location: 16p13.3.
Variant type: single nucleotide variant.
Coding change: c.4603G>C on transcript NM_000548.5 (MANE Select); coding-DNA position 4603, G replaced by C.
Protein change: p.Asp1535His; replaces aspartic acid 1535 with histidine.
Molecular consequence: missense variant.
Genome position (GRCh38, 1-based): chr16:2,085,263, G>C. VCF-style: chr16-2085263-G-C. GRCh37 (hg19) VCF-style: chr16-2135264-G-C.
Other names: c.4603G>C (NM_000548.3); c.4402G>C, p.Asp1468His (NM_001077183.3); c.4534G>C, p.Asp1512His (NM_001114382.3); c.4294G>C, p.Asp1432His (NM_001318827.2); c.4258G>C, p.Asp1420His (NM_001318829.2); c.3871G>C, p.Asp1291His (NM_001318831.2); c.4435G>C, p.Asp1479His (NM_001318832.2); c.4405G>C, p.Asp1469His (NM_001363528.2); and 2 more; short protein forms D1291H, D1420H, D1432H, D1468H, D1469H, D1479H, D1491H, D1492H.
Identifiers: ClinVar variation 1013089 (VCV001013089.41), dbSNP rs45517353, ClinGen allele CA394304622.
Genomic context (GRCh38, chr16:2,085,263, plus strand): 5'-GCTCAGGCAGGGCTCTGTGTGCCACAGTCACAGTCCTTTGAGCGGTCGGTGCAGCTCCTC[G>C]ACCAGATCCCATCATACGACACCCACAAGATCGCCGTCCTGTATGTTGGAGAAGGCCAGG-3'
Protein context (NP_000539.2, residues 1525-1545): QSFERSVQLL[Asp1535His]QIPSYDTHKI